The following is an entry in ClinVar:

ClinVar aggregate classification (germline): Uncertain significance (1 of 4 stars; one submission).

Conditions:
ALG12-congenital disorder of glycosylation (CDG1G). Also called: Congenital disorder of glycosylation, type Ig; ALG12-CDG; CDG Ig. Identifiers: Orphanet 79324, MedGen C2931001, MONDO:0011783, OMIM 607143.

Submission:

Labcorp Genetics (formerly Invitae), Labcorp
Classification: Uncertain significance for ALG12-congenital disorder of glycosylation. Last evaluated: 2023-07-21. Review status: criteria provided, single submitter. Criteria: Invitae Variant Classification Sherloc (09022015). Collection method: clinical testing. Allele origin: germline.
Comment: This sequence change replaces leucine, which is neutral and non-polar, with proline, which is neutral and non-polar, at codon 249 of the ALG12 protein (p.Leu249Pro). This variant is not present in population databases (gnomAD no frequency). This variant has not been reported in the literature in individuals affected with ALG12-related conditions. ClinVar contains an entry for this variant (Variation ID: 1347206). Advanced modeling of protein sequence and biophysical properties (such as structural, functional, and spatial information, amino acid conservation, physicochemical variation, residue mobility, and thermodynamic stability) has been performed at Invitae for this missense variant, however the output from this modeling did not meet the statistical confidence thresholds required to predict the impact of this variant on ALG12 protein function. In summary, the available evidence is currently insufficient to determine the role of this variant in disease. Therefore, it has been classified as a Variant of Uncertain Significance.

NM_024105.4(ALG12):c.746T>C (p.Leu249Pro)

Gene: ALG12 (ALG12 alpha-1,6-mannosyltransferase; minus strand). Cytogenetic location: 22q13.33.
Variant type: single nucleotide variant.
Coding change: c.746T>C on transcript NM_024105.4 (MANE Select); coding-DNA position 746, T replaced by C.
Protein change: p.Leu249Pro; replaces leucine 249 with proline.
Molecular consequence: missense variant.
Genome position (GRCh38, 1-based): chr22:49,909,266, A>G on the plus strand (T>C on the coding strand, the complement: ALG12 is on the minus strand). VCF-style: chr22-49909266-A-G. GRCh37 (hg19) VCF-style: chr22-50302914-A-G.
Other names: short protein forms L249P.
Identifiers: ClinVar variation 1347206 (VCV001347206.8), dbSNP rs2146606524, ClinGen allele CA412074545.
Genomic context (GRCh38, chr22:49,909,266, plus strand): 5'-CCCACCCATCGCCCTCCTGCACGGACACTGAAGGATACCCCCCAGTTGGAGCTTTTGTTC[A>G]GGACAGTGTTGTACCAAAGCACCTTTCCTTCCGGCCAAGTGAGCTGCCGCCAAAAATAAG-3'
Protein context (NP_077010.1, residues 239-259): EGKVLWYNTV[Leu249Pro]NKSSNWGTSP